The following is an entry in ClinVar:

NM_022124.6(CDH23):c.3579+2T>C

Genes: C10orf105 (chromosome 10 open reading frame 105; minus strand), CDH23 (cadherin related 23; plus strand). Cytogenetic location: 10q22.1.
Variant type: single nucleotide variant.
Coding change: c.3579+2T>C on transcript NM_022124.6 (MANE Select); the canonical splice donor site of the intron after coding-DNA position 3579, T replaced by C.
Molecular consequence: splice donor variant. On other transcripts: intron variant (1).
Genome position (GRCh38, 1-based): chr10:71,725,522, T>C. VCF-style: chr10-71725522-T-C. GRCh37 (hg19) VCF-style: chr10-73485279-T-C.
Other names: c.3579+2T>C (NM_001171930.2, NM_022124.5); c.-5-9180A>G (NM_001168390.2).
Identifiers: ClinVar variation 1458365 (VCV001458365.11), dbSNP rs1385831846, ClinGen allele CA377153130.

ClinVar aggregate classification (germline): Pathogenic/Likely pathogenic. Review status: criteria provided, multiple submitters, no conflicts (2 of 4 stars). 7 submissions from 6 submitters: Pathogenic (2); Likely pathogenic (5). Last evaluated 2026-04-30.

Conditions:
Autosomal recessive nonsyndromic hearing loss 12. Also called: DEAFNESS, AUTOSOMAL RECESSIVE 12. Identifiers: Orphanet 90636, MedGen C1832394, MONDO:0011067, OMIM 601386.
Usher syndrome type 1 (USH1). Also called: RETINITIS PIGMENTOSA AND CONGENITAL DEAFNESS. Identifiers: Orphanet 231169, Orphanet 886, MedGen C1568247, MONDO:0010168, OMIM 276900.
Usher syndrome. Also called: Usher Syndromes; Usher's syndrome. Identifiers: Orphanet 886, MedGen CN469326, MeSH D052245, MONDO:0019501. Disease mechanism: loss of function.
Pituitary adenoma 5, multiple types. Identifiers: MedGen C4539685, MONDO:0054601, OMIM 617540.

Allele frequency attached by ClinVar (database versions not stated): gnomAD exomes below 0.00001.
gnomAD v4.1: 4 of 1,612,288 alleles (0.00025%); highest among the groups gnomAD compares: Non-Finnish European, 0.00017%; no homozygotes.

Submissions (7):

Laboratory of Molecular, Cellular and Translation Genetics in Otolaryngology/ Lim32-hcfmusp, University of Sao Paulo School of Medicine Clinics Hospital
Classification: Likely pathogenic for Autosomal recessive nonsyndromic hearing loss 12. Last evaluated: 2026-04-30. Review status: criteria provided, single submitter. Criteria: ClinGen HL ACMG Specifications v1. Collection method: research. Allele origin: germline. Affected: yes.
Comment: NM_022124.6:c.3579+2T>C. This variant has been classified as likely pathogenic. It is very rare in population databases (PM2) and is predicted to result in loss of function in CDH23, a gene in which loss of function is an established disease mechanism (PVS1). These findings support the causative role of this variant in hearing loss, most consistent with a nonsyndromic presentation.

Laboratory of Molecular, Cellular and Translation Genetics in Otolaryngology/ Lim32-hcfmusp, University of Sao Paulo School of Medicine Clinics Hospital
Classification: Likely pathogenic for Usher syndrome type 1. Last evaluated: 2026-04-30. Review status: criteria provided, single submitter. Criteria: ClinGen HL ACMG Specifications v1. Collection method: research. Allele origin: germline. Affected: yes.
Comment: NM_022124.6:c.3579+2T>C. This variant has been classified as likely pathogenic. It is absent from population databases (PM2) and is predicted to result in loss of function in CDH23, a gene in which loss of function is an established disease mechanism (PVS1). These findings support the causative role of this variant in hearing loss associated with Usher syndrome type I.

Dasa
Classification: Pathogenic. Last evaluated: 2026-02-03. Review status: criteria provided, single submitter. Criteria: DASA Assertion Criteria. Collection method: clinical testing. Allele origin: germline.
Comment: NM_022124.6(CDH23):c.3579+2T>C introduces a premature termination codon predicted to result in loss of normal protein function. Loss-of-function is an established mechanism of disease for this gene. This variant has been observed in affected individuals with related phenotype in a genotype context consistent with recessive disease. The variant is present at low frequency in population datasets. Based on the available data, this variant is classified as pathogenic.

Labcorp Genetics (formerly Invitae), Labcorp
Classification: Pathogenic. Last evaluated: 2025-07-30. Review status: criteria provided, single submitter. Criteria: Invitae Variant Classification Sherloc (09022015). Collection method: clinical testing. Allele origin: germline.
Comment: This sequence change affects a donor splice site in intron 30 of the CDH23 gene. It is expected to disrupt RNA splicing. Variants that disrupt the donor or acceptor splice site typically lead to a loss of protein function (PMID: 16199547), and loss-of-function variants in CDH23 are known to be pathogenic (PMID: 11138009, 21940737). This variant is not present in population databases (gnomAD no frequency). Disruption of this splice site has been observed in individuals with Usher syndrome (internal data). ClinVar contains an entry for this variant (Variation ID: 1458365). Algorithms developed to predict the effect of sequence changes on RNA splicing suggest that this variant may disrupt the consensus splice site. For these reasons, this variant has been classified as Pathogenic.

Women's Health and Genetics/Laboratory Corporation of America, LabCorp
Classification: Likely pathogenic for Usher syndrome. Last evaluated: 2023-04-05. Review status: criteria provided, single submitter. Criteria: LabCorp Variant Classification Summary - May 2015. Collection method: clinical testing. Allele origin: germline.
Comment: Variant summary: CDH23 c.3579+2T>C is located in a canonical splice-site and is predicted to affect mRNA splicing resulting in a significantly altered protein due to either exon skipping, shortening, or inclusion of intronic material. Several computational tools predict a significant impact on normal splicing: Four predict the variant abolishes a canonical 5' splicing donor site. However, these predictions have yet to be confirmed by functional studies. The variant was absent in 243350 control chromosomes (gnomAD). To our knowledge, no occurrence of c.3579+2T>C in individuals affected with Usher Syndrome and no experimental evidence demonstrating its impact on protein function have been reported. Two ClinVar submitters have assessed the variant since 2014: one classified the variant as likely pathogenic and one as pathogenic. Based on the evidence outlined above, the variant was classified as likely pathogenic.

Baylor Genetics
Classification: Likely pathogenic for Pituitary adenoma 5, multiple types. Last evaluated: 2022-09-22. Review status: criteria provided, single submitter. Criteria: ACMG Guidelines, 2015. Collection method: clinical testing. Allele origin: unknown.

Laboratorio de Genetica e Diagnostico Molecular, Hospital Israelita Albert Einstein
Classification: Likely pathogenic for Autosomal recessive nonsyndromic hearing loss 12. Last evaluated: 2022-07-06. Review status: criteria provided, single submitter. Criteria: ACMG Guidelines, 2015. Collection method: clinical testing. Allele origin: germline. Affected: yes. Observed: 1 variant allele.
Comment: ACMG classification criteria: PVS1 strong, PM2 moderated

Literature cited by the submitters: PubMed 42233699 (cited by Laboratory of Molecular, Cellular and Translation Genetics in Otolaryngology/ Lim32-hcfmusp, University of Sao Paulo School of Medicine Clinics Hospital); PubMed 16199547 (cited by Labcorp Genetics (formerly Invitae), Labcorp); PubMed 11138009 (cited by Labcorp Genetics (formerly Invitae), Labcorp); PubMed 21940737 (cited by Labcorp Genetics (formerly Invitae), Labcorp).